The following is an entry in ClinVar:

NM_024548.4(CEP97):c.1730A>G (p.Tyr577Cys)

Gene: CEP97 (centrosomal protein 97; plus strand). Cytogenetic location: 3q12.3.
Variant type: single nucleotide variant.
Coding change: c.1730A>G on transcript NM_024548.4 (MANE Select); coding-DNA position 1730, A replaced by G.
Protein change: p.Tyr577Cys; replaces tyrosine 577 with cysteine.
Molecular consequence: missense variant.
Genome position (GRCh38, 1-based): chr3:101,758,336, A>G. VCF-style: chr3-101758336-A-G. GRCh37 (hg19) VCF-style: chr3-101477180-A-G.
Other names: c.1553A>G, p.Tyr518Cys (NM_001303401.2); c.1628A>G, p.Tyr543Cys (NM_001410784.1); c.1451A>G, p.Tyr484Cys (NM_001410785.1); short protein forms Y518C, Y484C, Y577C, Y543C.
Identifiers: ClinVar variation 3490973 (VCV003490973.2).

ClinVar aggregate classification (germline): Uncertain significance. Review status: criteria provided, multiple submitters, no conflicts (2 of 4 stars). 2 submissions from 2 submitters: Uncertain significance (2). Last evaluated 2025-03-16.

gnomAD v4.1: 88 of 1,614,252 alleles (0.0055%); highest among the groups gnomAD compares: African/African-American, 0.11%; no homozygotes.

Submissions (2):

Labcorp Genetics (formerly Invitae), Labcorp
Classification: Uncertain significance. Last evaluated: 2025-03-16. Review status: criteria provided, single submitter. Criteria: Invitae Variant Classification Sherloc (09022015). Collection method: clinical testing. Allele origin: germline.
Comment: This sequence change replaces tyrosine, which is neutral and polar, with cysteine, which is neutral and slightly polar, at codon 577 of the CEP97 protein (p.Tyr577Cys). This variant is present in population databases (rs139577624, gnomAD 0.1%), and has an allele count higher than expected for a pathogenic variant. This variant has not been reported in the literature in individuals affected with CEP97-related conditions. ClinVar contains an entry for this variant (Variation ID: 3490973). Invitae Evidence Modeling of protein sequence and biophysical properties (such as structural, functional, and spatial information, amino acid conservation, physicochemical variation, residue mobility, and thermodynamic stability) indicates that this missense variant is not expected to disrupt CEP97 protein function with a negative predictive value of 80%. In summary, the available evidence is currently insufficient to determine the role of this variant in disease. Therefore, it has been classified as a Variant of Uncertain Significance.

Ambry Genetics
Classification: Uncertain significance. Last evaluated: 2024-11-09. Review status: criteria provided, single submitter. Criteria: Ambry Variant Classification Scheme 2023. Collection method: clinical testing. Allele origin: germline.